The following is an entry in ClinVar:

NM_000336.3(SCNN1B):c.1900G>A (p.Asp634Asn)

Gene: SCNN1B (sodium channel epithelial 1 subunit beta; plus strand). Cytogenetic location: 16p12.2.
Variant type: single nucleotide variant.
Coding change: c.1900G>A on transcript NM_000336.3 (MANE Select); coding-DNA position 1900, G replaced by A.
Protein change: p.Asp634Asn; replaces aspartic acid 634 with asparagine.
Molecular consequence: missense variant.
Genome position (GRCh38, 1-based): chr16:23,380,778, G>A. VCF-style: chr16-23380778-G-A. GRCh37 (hg19) VCF-style: chr16-23392099-G-A.
Other names: c.1792G>A, p.Asp598Asn (NM_001410900.1); short protein forms D634N, D598N.
Identifiers: ClinVar variation 1947007 (VCV001947007.5), dbSNP rs776613953, ClinGen allele CA395114129.

ClinVar aggregate classification (germline): Uncertain significance (1 of 4 stars; one submission).

gnomAD v4.1: 1 of 1,612,372 alleles (0.000062%); highest among the groups gnomAD compares: Admixed American, 0.0017%; no homozygotes.

Submission:

Labcorp Genetics (formerly Invitae), Labcorp
Classification: Uncertain significance. Last evaluated: 2022-09-24. Review status: criteria provided, single submitter. Criteria: Invitae Variant Classification Sherloc (09022015). Collection method: clinical testing. Allele origin: germline.
Comment: In summary, the available evidence is currently insufficient to determine the role of this variant in disease. Therefore, it has been classified as a Variant of Uncertain Significance. Algorithms developed to predict the effect of missense changes on protein structure and function are either unavailable or do not agree on the potential impact of this missense change (SIFT: "Deleterious"; PolyPhen-2: "Possibly Damaging"; Align-GVGD: "Class C0"). This variant has not been reported in the literature in individuals affected with SCNN1B-related conditions. This variant is present in population databases (no rsID available, gnomAD 0.003%). This sequence change replaces aspartic acid, which is acidic and polar, with asparagine, which is neutral and polar, at codon 634 of the SCNN1B protein (p.Asp634Asn).